The following is an entry in ClinVar:

NM_000059.4(BRCA2):c.3916G>A (p.Val1306Ile)

Gene: BRCA2 (BRCA2 DNA repair associated; plus strand). Cytogenetic location: 13q13.1.
Variant type: single nucleotide variant.
Coding change: c.3916G>A on transcript NM_000059.4 (MANE Select); coding-DNA position 3916, G replaced by A.
Protein change: p.Val1306Ile; replaces valine 1306 with isoleucine.
Molecular consequence: missense variant.
Genome position (GRCh38, 1-based): chr13:32,338,271, G>A. VCF-style: chr13-32338271-G-A. GRCh37 (hg19) VCF-style: chr13-32912408-G-A.
Other names: V1360I; V1360L; p.V1306I:GTT>ATT; 4144G>A; short protein forms V1306I.
Identifiers: ClinVar variation 37866 (VCV000037866.77), dbSNP rs80358636, ClinGen allele CA019173.

ClinVar aggregate classification (germline): Benign. Review status: reviewed by expert panel (3 of 4 stars). 18 submissions from 18 submitters: Benign (1). 17 of the submissions do not count toward it. Last evaluated 2015-08-10.

Conditions:
BRCA2-related disorder. Also called: BRCA2-related condition; BRCA2-related disorders. Identifiers: MedGen CN239275.
Hereditary cancer-predisposing syndrome. Also called: Neoplastic Syndromes, Hereditary; Tumor predisposition; Hereditary Cancer Syndrome; Hereditary neoplastic syndrome. Identifiers: Orphanet 140162, MedGen C0027672, MeSH D009386, MONDO:0015356.
Hereditary breast ovarian cancer syndrome. Also called: Hereditary breast and ovarian cancer; Breast and ovarian cancer; Hereditary breast and/or ovarian cancer syndrome; Hereditary breast and ovarian cancer syndrome (HBOC); Hereditary breast and ovarian cancer syndrome; BRCA1- and BRCA2-Associated Hereditary Breast and Ovarian Cancer. Identifiers: Orphanet 145, MedGen C0677776, MeSH D061325, MONDO:0003582. Disease mechanism: loss of function.
Breast-ovarian cancer, familial, susceptibility to, 2 (BROVCA2). Also called: BRCA2 Hereditary Breast and Ovarian Cancer. Identifiers: Orphanet 145, MedGen C2675520, MONDO:0012933, OMIM 612555. Disease mechanism: loss of function.

Allele frequency attached by ClinVar (database versions not stated): ExAC below 0.00001; gnomAD 0.00002; gnomAD exomes 0.00002; TOPMed 0.00004; ESP Exome Variant Server 0.00023.
gnomAD v4.1: 26 of 1,565,512 alleles (0.0017%); highest among the groups gnomAD compares: Non-Finnish European, 0.0022%; no homozygotes.

Submissions (18):

Evidence-based Network for the Interpretation of Germline Mutant Alleles (ENIGMA)
Classification: Benign for Breast-ovarian cancer, familial 2. Last evaluated: 2015-08-10. Review status: reviewed by expert panel. Criteria: ENIGMA BRCA1/2 Classification Criteria (2015). Collection method: curation. Allele origin: germline.
Comment: IARC class based on posterior probability from multifactorial likelihood analysis, thresholds for class as per Plon et al. 2008 (PMID: 18951446). Class 1 based on posterior probability = 0.00000685

PreventionGenetics, part of Exact Sciences
Classification: Likely benign for BRCA2-related condition. Last evaluated: 2026-05-04. Review status: criteria provided, single submitter. Criteria: ACMG Guidelines, 2015. Collection method: clinical testing. Allele origin: germline. Not counted in ClinVar's aggregate classification.
Comment: This variant is classified as likely benign based on ACMG/AMP sequence variant interpretation guidelines (Richards et al. 2015 PMID: 25741868, with internal and published modifications).

Labcorp Genetics (formerly Invitae), Labcorp
Classification: Benign for Hereditary breast ovarian cancer syndrome. Last evaluated: 2026-02-01. Review status: criteria provided, single submitter. Criteria: Invitae Variant Classification Sherloc (09022015). Collection method: clinical testing. Allele origin: germline. Not counted in ClinVar's aggregate classification.

Quest Diagnostics Nichols Institute San Juan Capistrano
Classification: Likely benign. Last evaluated: 2025-05-13. Review status: criteria provided, single submitter. Criteria: Quest Diagnostics criteria. Collection method: clinical testing. Allele origin: unknown. Not counted in ClinVar's aggregate classification.

Center for Genomic Medicine, Rigshospitalet, Copenhagen University Hospital
Classification: Benign. Last evaluated: 2025-03-04. Review status: criteria provided, single submitter. Criteria: ACMG Guidelines, 2015. Collection method: clinical testing. Allele origin: germline. Not counted in ClinVar's aggregate classification.

ARUP Laboratories, Molecular Genetics and Genomics, ARUP Laboratories
Classification: Likely benign. Last evaluated: 2023-12-07. Review status: criteria provided, single submitter. Criteria: ARUP Molecular Germline Variant Investigation Process 2024. Collection method: clinical testing. Allele origin: germline. Not counted in ClinVar's aggregate classification.

All of Us Research Program, National Institutes of Health
Classification: Benign for Breast-ovarian cancer, familial, susceptibility to, 2. Last evaluated: 2023-09-04. Review status: criteria provided, single submitter. Criteria: ACMG Guidelines, 2015. Collection method: clinical testing. Allele origin: germline. Inheritance: Autosomal dominant inheritance. Observed: 9 variant alleles, 9 heterozygotes. Not counted in ClinVar's aggregate classification.
Comment: This study involves interpretation of variants in research participants for the purpose of population health screening. Participant phenotype was not available at the time of variant classification. Additional details can be found in publication PMID: 35346344, PMCID: PMC8962531

Sema4
Classification: Likely benign for Hereditary cancer-predisposing syndrome. Last evaluated: 2022-03-16. Review status: criteria provided, single submitter. Criteria: Sema4 Curation Guidelines. Collection method: curation. Allele origin: germline. Not counted in ClinVar's aggregate classification.

Genetic Services Laboratory, University of Chicago
Classification: Likely benign. Last evaluated: 2021-10-08. Review status: criteria provided, single submitter. Criteria: ACMG Guidelines, 2015. Collection method: clinical testing. Allele origin: germline. Affected: no. Not counted in ClinVar's aggregate classification.

Women's Health and Genetics/Laboratory Corporation of America, LabCorp
Classification: Benign. Last evaluated: 2021-09-11. Review status: criteria provided, single submitter. Criteria: LabCorp Variant Classification Summary - May 2015. Collection method: clinical testing. Allele origin: germline. Not counted in ClinVar's aggregate classification.
Comment: Variant summary: BRCA2 c.3916G>A (p.Val1306Ile) results in a conservative amino acid change in the encoded protein sequence. Four of five in-silico tools predict a benign effect of the variant on protein function. The variant allele was found at a frequency of 1.9e-05 in 209536 control chromosomes. The available data on variant occurrences in the general population are insufficient to allow any conclusion about variant significance. c.3916G>A has been reported in the literature in individuals undergoing testing for hereditary breast and/or ovarian cancer but has been classified as unequivocally neutral based on multifactorial probability models that employed several key parameters, namely co-occurrence in trans of a VUS with known deleterious mutations; detailed analysis, by logistic regression, of personal and family history of cancer in VUS-carrying probands; and, in a subset of probands, an analysis of cosegregation with disease in pedigrees (example, Easton_2007, Lindor_2012). These report(s) do not provide unequivocal conclusions about association of the variant with Hereditary Breast And Ovarian Cancer Syndrome. No experimental evidence demonstrating an impact on protein function were ascertained within the context of this evaluation, although this variant has been included among the neutrality controls in validation panels reviewing functional assays for analysis of VUS in BRCA2 (example Guidugli_2012). Multiple clinical diagnostic laboratories and an expert panel (ENIGMA) have submitted clinical-significance assessments for this variant to ClinVar after 2014 without evidence for independent evaluation. Multiple laboratories reported the variant with conflicting assessments but a predominant consensus as benign (to include the expert panel)/likely benign (n=6). Based on the evidence outlined above, the variant was classified as benign.

St. Jude Molecular Pathology, St. Jude Children's Research Hospital
Classification: Likely benign for Hereditary breast ovarian cancer syndrome. Last evaluated: 2021-08-26. Review status: criteria provided, single submitter. Criteria: St. Jude Assertion Criteria 2020. Collection method: clinical testing. Allele origin: germline. Not counted in ClinVar's aggregate classification.
Comment: The BRCA2 c.3916G>A (p.Val1306Ile) missense change has a maximum subpopulation frequency of 0.0041% in gnomAD v2.1.1. Six of seven in silico tools predict a benign effect of this variant on protein function (BP4), but to our knowledge these predictions have not been confirmed by functional assays. This variant has been reported in two women older than 70 years of age who have never had cancer (BS2_supporting). It has also been reported in an individual with breast cancer (PMID: 20104584). In summary, this variant meets criteria to be classified as likely benign based on the ACMG/AMP criteria: BS2_supporting, BP4.

GeneDx
Classification: Likely benign. Last evaluated: 2020-05-18. Review status: criteria provided, single submitter. Criteria: GeneDx Variant Classification Process June 2021. Collection method: clinical testing. Allele origin: germline. Affected: yes. Not counted in ClinVar's aggregate classification.
Comment: This variant is associated with the following publications: (PMID: 17924331, 21990134, 22476429, 24323938, 20104584)

CeGaT Center for Human Genetics Tuebingen
Classification: Likely benign. Last evaluated: 2020-04-01. Review status: criteria provided, single submitter. Criteria: CeGaT Center For Human Genetics Tuebingen Variant Classification Criteria Version 2. Collection method: clinical testing. Allele origin: germline. Affected: yes. Observed: 1 variant allele. Not counted in ClinVar's aggregate classification.

Color Diagnostics, LLC DBA Color Health
Classification: Benign for Hereditary cancer-predisposing syndrome. Last evaluated: 2015-08-11. Review status: criteria provided, single submitter. Criteria: ACMG Guidelines, 2015. Collection method: clinical testing. Allele origin: germline. Not counted in ClinVar's aggregate classification.

Genomic Diagnostic Laboratory, Division of Genomic Diagnostics, Children's Hospital of Philadelphia
Classification: Uncertain significance for Hereditary Breast and Ovarian Cancer. Last evaluated: 2015-04-12. Review status: criteria provided, single submitter. Criteria: DGD Variant Analysis Guidelines. Collection method: clinical testing. Allele origin: unknown. Not counted in ClinVar's aggregate classification.

Ambry Genetics
Classification: Benign for Hereditary cancer-predisposing syndrome. Last evaluated: 2014-11-19. Review status: criteria provided, single submitter. Criteria: Ambry Variant Classification Scheme 2023. Collection method: clinical testing. Allele origin: germline. Not counted in ClinVar's aggregate classification.

Sharing Clinical Reports Project (SCRP)
Classification: Likely benign for Breast-ovarian cancer, familial 2. Last evaluated: 2009-10-12. Review status: no assertion criteria provided. Collection method: clinical testing. Allele origin: germline. Not counted in ClinVar's aggregate classification.

Breast Cancer Information Core (BIC) (BRCA2)
Classification: Uncertain significance for Breast-ovarian cancer, familial 2. Last evaluated: 2002-05-29. Review status: no assertion criteria provided. Collection method: clinical testing. Allele origin: germline. Affected: yes. Observed: 10 variant alleles. Not counted in ClinVar's aggregate classification.

Literature cited by the submitters: PubMed 21990134 (cited by 3 submitters); PubMed 24323938 (cited by Quest Diagnostics Nichols Institute San Juan Capistrano and Women's Health and Genetics/Laboratory Corporation of America, LabCorp); PubMed 20104584 (cited by Quest Diagnostics Nichols Institute San Juan Capistrano); PubMed 17924331 (cited by Quest Diagnostics Nichols Institute San Juan Capistrano and Women's Health and Genetics/Laboratory Corporation of America, LabCorp).